The following is an entry in ClinVar:

NM_000070.3(CAPN3):c.505C>G (p.Arg169Gly)

Gene: CAPN3 (calpain 3; plus strand). Cytogenetic location: 15q15.1.
Variant type: single nucleotide variant.
Coding change: c.505C>G on transcript NM_000070.3 (MANE Select); coding-DNA position 505, C replaced by G.
Protein change: p.Arg169Gly; replaces arginine 169 with glycine.
Molecular consequence: missense variant.
Genome position (GRCh38, 1-based): chr15:42,387,759, C>G. VCF-style: chr15-42387759-C-G. GRCh37 (hg19) VCF-style: chr15-42679957-C-G.
Other names: c.505C>G, p.Arg169Gly (NM_024344.2, NM_173087.2); short protein forms R169G.
Identifiers: ClinVar variation 3366674 (VCV003366674.2).

ClinVar aggregate classification (germline): Uncertain significance (1 of 4 stars; one submission).

Submission:

Women's Health and Genetics/Laboratory Corporation of America, LabCorp
Classification: Uncertain significance. Last evaluated: 2024-11-05. Review status: criteria provided, single submitter. Criteria: LabCorp Variant Classification Summary - May 2015. Collection method: clinical testing. Allele origin: germline.
Comment: Variant summary: CAPN3 c.505C>G (p.Arg169Gly) results in a non-conservative amino acid change located in the Peptidase C2, calpain, catalytic domain (IPR001300) of the encoded protein sequence. Five of five in-silico tools predict a damaging effect of the variant on protein function. Consensus agreement among computation tools predict no significant impact on normal splicing. However, these predictions have yet to be confirmed by functional studies. The variant was absent in 251456 control chromosomes. The available data on variant occurrences in the general population are insufficient to allow any conclusion about variant significance. c.505C>G has been reported in the literature in at least one hetetrozygous individual affected with Limb-Girdle Muscular Dystrophy, Autosomal Recessive (Georgieva_2005, Todorova_2007). These report(s) do not provide unequivocal conclusions about association of the variant with Limb-Girdle Muscular Dystrophy, Autosomal Recessive. To our knowledge, no experimental evidence demonstrating an impact on protein function has been reported. The following publications have been ascertained in the context of this evaluation (PMID: 16001438, 17318636). ClinVar contains an entry for this variant (Variation ID: 3366674). Based on the evidence outlined above, the variant was classified as uncertain significance.

Literature cited by the submitters: PubMed 17318636; PubMed 16001438.